The following is an entry in ClinVar:

ClinVar aggregate classification (germline): Uncertain significance (1 of 4 stars; one submission).

Conditions:
Familial cancer of breast. Also called: hereditary breast carcinoma; Hereditary breast cancer; BREAST CANCER, FAMILIAL. Identifiers: Orphanet 227535, MedGen C0346153, MONDO:0016419, OMIM 114480. Disease mechanism: loss of function.

Submission:

Labcorp Genetics (formerly Invitae), Labcorp
Classification: Uncertain significance for Familial cancer of breast. Last evaluated: 2021-11-24. Review status: criteria provided, single submitter. Criteria: Invitae Variant Classification Sherloc (09022015). Collection method: clinical testing. Allele origin: germline.
Comment: This variant has not been reported in the literature in individuals affected with CHEK2-related conditions. This variant is not present in population databases (gnomAD no frequency). This sequence change replaces cysteine, which is neutral and slightly polar, with serine, which is neutral and polar, at codon 124 of the CHEK2 protein (p.Cys124Ser). Algorithms developed to predict the effect of missense changes on protein structure and function output the following: SIFT: "Tolerated"; PolyPhen-2: "Benign"; Align-GVGD: "Class C0". The serine amino acid residue is found in multiple mammalian species, which suggests that this missense change does not adversely affect protein function. In summary, the available evidence is currently insufficient to determine the role of this variant in disease. Therefore, it has been classified as a Variant of Uncertain Significance.

NM_007194.4(CHEK2):c.371G>C (p.Cys124Ser)

Gene: CHEK2 (checkpoint kinase 2; minus strand). Cytogenetic location: 22q12.1.
Variant type: single nucleotide variant.
Coding change: c.371G>C on transcript NM_007194.4 (MANE Select); coding-DNA position 371, G replaced by C.
Protein change: p.Cys124Ser; replaces cysteine 124 with serine.
Molecular consequence: missense variant.
Genome position (GRCh38, 1-based): chr22:28,725,316, C>G on the plus strand (G>C on the coding strand, the complement: CHEK2 is on the minus strand). VCF-style: chr22-28725316-C-G. GRCh37 (hg19) VCF-style: chr22-29121304-C-G.
Other names: c.500G>C, p.Cys167Ser (NM_001005735.3); c.-407G>C (NM_001257387.3); c.371G>C, p.Cys124Ser (NM_001349956.3, NM_145862.3); short protein forms C167S, C124S.
Identifiers: ClinVar variation 1353316 (VCV001353316.7), dbSNP rs754768271, ClinGen allele CA411108113.